The following is an entry in ClinVar:

NM_020134.4(DPYSL5):c.911C>G (p.Thr304Ser)

Gene: DPYSL5 (dihydropyrimidinase like 5; plus strand). Cytogenetic location: 2p23.3.
Variant type: single nucleotide variant.
Coding change: c.911C>G on transcript NM_020134.4 (MANE Select); coding-DNA position 911, C replaced by G.
Protein change: p.Thr304Ser; replaces threonine 304 with serine.
Molecular consequence: missense variant.
Genome position (GRCh38, 1-based): chr2:26,934,698, C>G. VCF-style: chr2-26934698-C-G. GRCh37 (hg19) VCF-style: chr2-27157566-C-G.
Other names: c.911C>G, p.Thr304Ser (NM_001253723.2, NM_001253724.2); short protein forms T304S.
Identifiers: ClinVar variation 3356560 (VCV003356560.1).

ClinVar aggregate classification (germline): Uncertain significance (0 of 4 stars; one submission).

Conditions:
DPYSL5-related disorder. Also called: DPYSL5-related condition.

gnomAD v4.1: 1 of 1,614,178 alleles (0.000062%); no homozygotes.

Submission:

PreventionGenetics, part of Exact Sciences
Classification: Uncertain significance for DPYSL5-related condition. Last evaluated: 2024-05-07. Review status: no assertion criteria provided. Collection method: clinical testing. Allele origin: germline.
Comment: The DPYSL5 c.911C>G variant is predicted to result in the amino acid substitution p.Thr304Ser. To our knowledge, this variant has not been reported in the literature. This variant is reported in 0.0054% of alleles in individuals of East Asian descent in gnomAD. At this time, the clinical significance of this variant is uncertain due to the absence of conclusive functional and genetic evidence.